The following is an entry in ClinVar:

NM_002471.4(MYH6):c.104_105delinsTG (p.Thr35Met)

Genes: MYH6 (myosin heavy chain 6; minus strand), LOC114827851 (VISTA enhancer hs2155; plus strand). Cytogenetic location: 14q11.2.
Variant type: Indel.
Coding change: c.104_105delinsTG on transcript NM_002471.4 (MANE Select); coding-DNA positions 104 to 105, CT replaced by TG.
Protein change: p.Thr35Met; replaces threonine 35 with methionine.
Molecular consequence: missense variant.
Genome position (GRCh38, 1-based): chr14:23,407,119-23,407,120, AG replaced by CA on the plus strand (CT replaced by TG on the coding strand, the reverse complement: MYH6 is on the minus strand). VCF-style: chr14-23407119-AG-CA. GRCh37 (hg19) VCF-style: chr14-23876328-AG-CA.
Other names: short protein forms T35M.
Identifiers: ClinVar variation 3608309 (VCV003608309.2).

ClinVar aggregate classification (germline): Uncertain significance (1 of 4 stars; one submission).

Conditions:
Hypertrophic cardiomyopathy 14. Identifiers: MedGen C2750467, MONDO:0013197, OMIM 613251.

Submission:

Labcorp Genetics (formerly Invitae), Labcorp
Classification: Uncertain significance for Hypertrophic cardiomyopathy 14. Last evaluated: 2025-01-22. Review status: criteria provided, single submitter. Criteria: Invitae Variant Classification Sherloc (09022015). Collection method: clinical testing. Allele origin: germline.
Comment: This sequence change replaces threonine, which is neutral and polar, with methionine, which is neutral and non-polar, at codon 35 of the MYH6 protein (p.Thr35Met). Information on the frequency of this variant in the gnomAD database is not available, as this variant may be reported differently in the database. This variant has not been reported in the literature in individuals affected with MYH6-related conditions. An algorithm developed to predict the effect of missense changes on protein structure and function (PolyPhen-2) suggests that this variant is likely to be disruptive. In summary, the available evidence is currently insufficient to determine the role of this variant in disease. Therefore, it has been classified as a Variant of Uncertain Significance.